The following is an entry in ClinVar:

NM_022489.4(INF2):c.942C>A (p.Ala314=)

Gene: INF2 (inverted formin 2; plus strand). Cytogenetic location: 14q32.33.
Variant type: single nucleotide variant.
Coding change: c.942C>A on transcript NM_022489.4 (MANE Select); coding-DNA position 942, C replaced by A.
Protein change: p.Ala314=; no amino-acid change (alanine 314 retained).
Molecular consequence: synonymous variant.
Genome position (GRCh38, 1-based): chr14:104,707,008, C>A. VCF-style: chr14-104707008-C-A. GRCh37 (hg19) VCF-style: chr14-105173345-C-A.
Other names: c.942C>A, p.Ala314= (NM_001031714.4, NM_001426862.1, NM_001426863.1 and 2 more transcripts).
Identifiers: ClinVar variation 3233712 (VCV003233712.5), dbSNP rs774989778, ClinGen allele CA7372468.
Genomic context (GRCh38, chr14:104,707,008, plus strand): 5'-GCTGCAGGGCCTCCTGCACCTGGAGCCCACCCTCCGCTCCAGCCAGCTGCTCTGGGAGGC[C>A]CTGGAGAGCCTCGTGAACCGGGCCGTGCTCCTGGCCAGCGATGGTGAGGGGGCGGGGCAG-3'
Protein context (NP_071934.3, residues 304-324): TLRSSQLLWE[Ala314=]LESLVNRAVL

ClinVar aggregate classification (germline): Benign/Likely benign. Review status: criteria provided, multiple submitters, no conflicts (2 of 4 stars). 3 submissions from 3 submitters: Benign (1); Likely benign (2). Last evaluated 2025-04-29.

Conditions:
Focal segmental glomerulosclerosis 5 (FSGS5). Identifiers: Orphanet 656, MedGen C2750475, MONDO:0013191, OMIM 613237.
Charcot-Marie-Tooth disease dominant intermediate E. Also called: CHARCOT-MARIE-TOOTH NEUROPATHY WITH FOCAL SEGMENTAL GLOMERULONEPHRITIS. Identifiers: Orphanet 93114, MedGen C4302667, MONDO:0013758, OMIM 614455.

Allele frequency attached by ClinVar (database versions not stated): ExAC 0.00011.
gnomAD v4.1: 59 of 1,593,698 alleles (0.0037%); highest among the groups gnomAD compares: South Asian, 0.045%; no homozygotes.

Submissions (3):

Labcorp Genetics (formerly Invitae), Labcorp
Classification: Benign for Charcot-Marie-Tooth disease dominant intermediate E; Focal segmental glomerulosclerosis 5. Last evaluated: 2025-04-29. Review status: criteria provided, single submitter. Criteria: Invitae Variant Classification Sherloc (09022015). Collection method: clinical testing. Allele origin: germline.

Blueprint Genetics
Classification: Likely benign. Last evaluated: 2024-07-01. Review status: criteria provided, single submitter. Criteria: ACMG Guidelines, 2015. Collection method: clinical testing. Allele origin: germline.

Women's Health and Genetics/Laboratory Corporation of America, LabCorp
Classification: Likely benign. Last evaluated: 2024-03-01. Review status: criteria provided, single submitter. Criteria: LabCorp Variant Classification Summary - May 2015. Collection method: clinical testing. Allele origin: germline.
Comment: Variant summary: INF2 c.942C>A alters a non-conserved nucleotide resulting in a synonymous change. Consensus agreement among computation tools predict no significant impact on normal splicing. However, these predictions have yet to be confirmed by functional studies. The variant allele was found at a frequency of 6e-05 in 215430 control chromosomes. To our knowledge, no occurrence of c.942C>A in individuals affected with Charcot-Marie-Tooth Disease, Dominant Intermediate E and no experimental evidence demonstrating its impact on protein function have been reported. No submitters have cited clinical-significance assessments for this variant to ClinVar. Based on the evidence outlined above, the variant was classified as likely benign.